The following is an entry in ClinVar:

NM_015662.3(IFT172):c.3902A>G (p.Lys1301Arg)

Genes: IFT172 (intraflagellar transport 172; minus strand), LOC126806173 (BRD4-independent group 4 enhancer GRCh37_chr2:27676057-27677256; plus strand). Cytogenetic location: 2p23.3.
Variant type: single nucleotide variant.
Coding change: c.3902A>G on transcript NM_015662.3 (MANE Select); coding-DNA position 3902, A replaced by G.
Protein change: p.Lys1301Arg; replaces lysine 1301 with arginine.
Molecular consequence: missense variant.
Genome position (GRCh38, 1-based): chr2:27,453,433, T>C on the plus strand (A>G on the coding strand, the complement: IFT172 is on the minus strand). VCF-style: chr2-27453433-T-C. GRCh37 (hg19) VCF-style: chr2-27676300-T-C.
Other names: c.3836A>G, p.Lys1279Arg (NM_001410739.1); short protein forms K1301R, K1279R.
Identifiers: ClinVar variation 2051172 (VCV002051172.2), dbSNP rs756456526, ClinGen allele CA1579827.

ClinVar aggregate classification (germline): Uncertain significance (1 of 4 stars; one submission).

Conditions:
Short-rib thoracic dysplasia 10 with or without polydactyly (SRTD10). Identifiers: Orphanet 474, MedGen C3810175, MONDO:0014284, OMIM 615630.
Retinitis pigmentosa 71 (RP71). Identifiers: Orphanet 791, MedGen C4225342, MONDO:0014618, OMIM 616394.

Allele frequency attached by ClinVar (database versions not stated): ExAC 0.00001; gnomAD exomes 0.00001; TOPMed 0.00001; gnomAD 0.00002.
gnomAD v4.1: 20 of 1,614,072 alleles (0.0012%); highest among the groups gnomAD compares: Non-Finnish European, 0.0017%; no homozygotes.

Submission:

Labcorp Genetics (formerly Invitae), Labcorp
Classification: Uncertain significance for Retinitis pigmentosa 71; Short-rib thoracic dysplasia 10 with or without polydactyly. Last evaluated: 2022-04-04. Review status: criteria provided, single submitter. Criteria: Invitae Variant Classification Sherloc (09022015). Collection method: clinical testing. Allele origin: germline.
Comment: In summary, the available evidence is currently insufficient to determine the role of this variant in disease. Therefore, it has been classified as a Variant of Uncertain Significance. Algorithms developed to predict the effect of missense changes on protein structure and function output the following: SIFT: "Tolerated"; PolyPhen-2: "Benign"; Align-GVGD: "Class C0". The arginine amino acid residue is found in multiple mammalian species, which suggests that this missense change does not adversely affect protein function. This variant has not been reported in the literature in individuals affected with IFT172-related conditions. This variant is present in population databases (rs756456526, gnomAD 0.0009%). This sequence change replaces lysine, which is basic and polar, with arginine, which is basic and polar, at codon 1301 of the IFT172 protein (p.Lys1301Arg).